The following is an entry in ClinVar:

Conditions:
Breast-ovarian cancer, familial, susceptibility to, 1 (BROVCA1). Also called: BRCA1 Hereditary Breast and Ovarian Cancer; OVARIAN CANCER, SUSCEPTIBILITY TO. Identifiers: Orphanet 145, MedGen C2676676, MONDO:0011450, OMIM 604370. Disease mechanism: loss of function.

Submission:

Brotman Baty Institute, University of Washington
No classification provided (evidence only). Condition: Breast-ovarian cancer, familial 1. Review status: no classification provided. Collection method: in vitro. Allele origin: not applicable. Functional consequence: functionally_normal.
ClinVar note: "not provided" was previously submitted as the classification for the variant. However, the classification appeared to be based only on an observation of functional data so it was converted to no classification on 2025-07-30.

NM_007294.4(BRCA1):c.252A>C (p.Glu84Asp)

Gene: BRCA1 (BRCA1 DNA repair associated; minus strand). Cytogenetic location: 17q21.31.
Variant type: single nucleotide variant.
Coding change: c.252A>C on transcript NM_007294.4 (MANE Select); coding-DNA position 252, A replaced by C.
Protein change: p.Glu84Asp; replaces glutamic acid 84 with aspartic acid.
Molecular consequence: missense variant. On other transcripts: non-coding transcript variant (1).
Genome position (GRCh38, 1-based): chr17:43,104,917, T>G on the plus strand (A>C on the coding strand, the complement: BRCA1 is on the minus strand). VCF-style: chr17-43104917-T-G. GRCh37 (hg19) VCF-style: chr17-41256934-T-G.
Other names: c.111A>C, p.Glu37Asp (NM_001407728.1, NM_001407729.1, NM_001407730.1 and 99 more transcripts); c.42A>C, p.Glu14Asp (NM_001407853.1, NM_001407879.1, NM_001407881.1 and 58 more transcripts); c.252A>C, p.Glu84Asp (NM_001407854.1, NM_001407858.1, NM_001407859.1 and 168 more transcripts); c.174A>C, p.Glu58Asp (NM_001407862.1, NM_001407874.1, NM_001407875.1 and 21 more transcripts); c.-130A>C (NM_001407959.1, NM_001407960.1, NM_001407962.1 and 4 more transcripts); c.120A>C, p.Glu40Asp (NM_001408451.1); short protein forms E37D, E84D, E40D, E58D, E14D.
Identifiers: ClinVar variation 868312 (VCV000868312.3), dbSNP rs2054685385, ClinGen allele CA10601652.